The following is an entry in ClinVar:

ClinVar aggregate classification (germline): Uncertain significance. Review status: criteria provided, multiple submitters, no conflicts (2 of 4 stars). 2 submissions from 2 submitters: Uncertain significance (2). Last evaluated 2024-06-22.

Conditions:
Inborn genetic diseases. Identifiers: MedGen C0950123, MeSH D030342.
Joubert syndrome. Also called: JOUBERT-BOLTSHAUSER SYNDROME; Familial aplasia of the vermis. Identifiers: Orphanet 475, MedGen C5979921, MONDO:0018772.
Meckel-Gruber syndrome. Also called: DYSENCEPHALIA SPLANCHNOCYSTICA; GRUBER SYNDROME; Dysencephalia splachnocystica. Identifiers: Orphanet 564, MedGen C0265215, MONDO:0018921.

Allele frequency attached by ClinVar (database versions not stated): gnomAD 0.00001.
gnomAD v4.1: 12 of 1,611,566 alleles (0.00074%); highest among the groups gnomAD compares: Non-Finnish European, 0.00085%; no homozygotes.

Submissions (2):

Ambry Genetics
Classification: Uncertain significance for Inborn genetic diseases. Last evaluated: 2024-06-22. Review status: criteria provided, single submitter. Criteria: Ambry Variant Classification Scheme 2023. Collection method: clinical testing. Allele origin: germline.

Labcorp Genetics (formerly Invitae), Labcorp
Classification: Uncertain significance for Joubert syndrome; Meckel-Gruber syndrome. Last evaluated: 2022-08-19. Review status: criteria provided, single submitter. Criteria: Invitae Variant Classification Sherloc (09022015). Collection method: clinical testing. Allele origin: germline.
Comment: This sequence change replaces methionine, which is neutral and non-polar, with threonine, which is neutral and polar, at codon 50 of the CC2D2A protein (p.Met50Thr). The frequency data for this variant in the population databases is considered unreliable, as metrics indicate poor data quality at this position in the gnomAD database. This variant has not been reported in the literature in individuals affected with CC2D2A-related conditions. ClinVar contains an entry for this variant (Variation ID: 1426991). Advanced modeling of protein sequence and biophysical properties (such as structural, functional, and spatial information, amino acid conservation, physicochemical variation, residue mobility, and thermodynamic stability) performed at Invitae indicates that this missense variant is not expected to disrupt CC2D2A protein function. In summary, the available evidence is currently insufficient to determine the role of this variant in disease. Therefore, it has been classified as a Variant of Uncertain Significance.

NM_001378615.1(CC2D2A):c.149T>C (p.Met50Thr)

Genes: CC2D2A (coiled-coil and C2 domain containing 2A; plus strand), FBXL5 (F-box and leucine rich repeat protein 5; minus strand). Cytogenetic location: 4p15.32.
Variant type: single nucleotide variant.
Coding change: c.149T>C on transcript NM_001378615.1 (MANE Select); coding-DNA position 149, T replaced by C.
Protein change: p.Met50Thr; replaces methionine 50 with threonine.
Molecular consequence: missense variant. On other transcripts: initiator codon variant (1), synonymous variant (1).
Genome position (GRCh38, 1-based): chr4:15,480,729, T>C. VCF-style: chr4-15480729-T-C. GRCh37 (hg19) VCF-style: chr4-15482353-T-C.
Other names: c.149T>C, p.Met50Thr (NM_001080522.2, NM_001164720.3); c.2T>C, p.Met1Thr (NM_001378617.1); c.255T>C, p.Asn85= (NM_020785.2); short protein forms M50T, M1T.
Identifiers: ClinVar variation 1426991 (VCV001426991.5), dbSNP rs765810643, ClinGen allele CA356407559.